The following is an entry in ClinVar:

ClinVar aggregate classification (germline): Benign/Likely benign. Review status: criteria provided, multiple submitters, no conflicts (2 of 4 stars). 4 submissions from 4 submitters: Benign (1); Likely benign (2). 1 of the submissions does not count toward it. Last evaluated 2024-09-04.

Conditions:
KIAA0586-related disorder. Also called: KIAA0586-related condition; KIAA0586- Related disorders.

Allele frequency attached by ClinVar (database versions not stated): gnomAD exomes 0.00037; ExAC 0.00054; gnomAD 0.00147 and 0.00156; TOPMed 0.00173; 1000 Genomes Project 0.00200; 1000 Genomes Project 30x 0.00219.
gnomAD v4.1: 496 of 1,610,794 alleles (0.031%); highest among the groups gnomAD compares: African/African-American, 0.52%; 1 homozygote.

Submissions (4):

Blueprint Genetics
Classification: Likely benign. Last evaluated: 2024-09-04. Review status: criteria provided, single submitter. Criteria: ACMG Guidelines, 2015. Collection method: clinical testing. Allele origin: germline.

GeneDx
Classification: Likely benign. Last evaluated: 2021-04-02. Review status: criteria provided, single submitter. Criteria: GeneDx Variant Classification Process June 2021. Collection method: clinical testing. Allele origin: germline. Affected: yes.

Labcorp Genetics (formerly Invitae), Labcorp
Classification: Benign. Last evaluated: 2018-12-26. Review status: criteria provided, single submitter. Criteria: Invitae Variant Classification Sherloc (09022015). Collection method: clinical testing. Allele origin: germline.

PreventionGenetics, part of Exact Sciences
Classification: Likely benign for KIAA0586-related condition. Last evaluated: 2019-06-05. Review status: no assertion criteria provided. Collection method: clinical testing. Allele origin: germline. Not counted in ClinVar's aggregate classification.
Comment: This variant is classified as likely benign based on ACMG/AMP sequence variant interpretation guidelines (Richards et al. 2015 PMID: 25741868, with internal and published modifications).

NM_001329943.3(KIAA0586):c.3165G>A (p.Leu1055=)

Gene: KIAA0586 (KIAA0586; plus strand). Cytogenetic location: 14q23.1.
Variant type: single nucleotide variant.
Coding change: c.3165G>A on transcript NM_001329943.3 (MANE Select); coding-DNA position 3165, G replaced by A.
Protein change: p.Leu1055=; no amino-acid change (leucine 1055 retained).
Molecular consequence: synonymous variant.
Genome position (GRCh38, 1-based): chr14:58,487,027, G>A. VCF-style: chr14-58487027-G-A. GRCh37 (hg19) VCF-style: chr14-58953745-G-A.
Other names: c.3324G>A, p.Leu1108= (NM_001244189.2); c.3120G>A, p.Leu1040= (NM_001244190.2); c.2910G>A, p.Leu970= (NM_001244191.2, NM_001329945.2, NM_001364700.1 and 1 more transcripts); c.3033G>A, p.Leu1011= (NM_001244192.2); c.2745G>A, p.Leu915= (NM_001244193.2); c.3165G>A, p.Leu1055= (NM_001329944.2, NM_001329946.2, NM_001329947.2); c.2937G>A, p.Leu979= (NM_014749.5).
Identifiers: ClinVar variation 709292 (VCV000709292.8), dbSNP rs538248668, ClinGen allele CA7206082.